The following is an entry in ClinVar:

NM_001165963.4(SCN1A):c.5632G>C (p.Glu1878Gln)

Genes: SCN1A (sodium voltage-gated channel alpha subunit 1; minus strand), LOC102724058 (uncharacterized LOC102724058; plus strand). Cytogenetic location: 2q24.3.
Variant type: single nucleotide variant.
Coding change: c.5632G>C on transcript NM_001165963.4 (MANE Select); coding-DNA position 5632, G replaced by C.
Protein change: p.Glu1878Gln; replaces glutamic acid 1878 with glutamine.
Molecular consequence: missense variant. On other transcripts: non-coding transcript variant (1).
Genome position (GRCh38, 1-based): chr2:165,991,643, C>G on the plus strand (G>C on the coding strand, the complement: SCN1A is on the minus strand). VCF-style: chr2-165991643-C-G. GRCh37 (hg19) VCF-style: chr2-166848153-C-G.
Other names: c.3190G>C, p.Glu1064Gln (NM_001353961.2); c.5599G>C, p.Glu1867Gln (NM_006920.6, NM_001353949.2, NM_001353950.2 and 2 more transcripts); c.5632G>C (NM_001202435.1); c.5548G>C, p.Glu1850Gln (NM_001165964.3, NM_001353957.2, NM_001353958.2); c.5632G>C, p.Glu1878Gln (NM_001202435.3, NM_001353948.2); c.5596G>C, p.Glu1866Gln (NM_001353954.2, NM_001353955.2); c.5545G>C, p.Glu1849Gln (NM_001353960.2); short protein forms E1867Q, E1878Q, E1850Q, E1866Q, E1064Q, E1849Q.
Identifiers: ClinVar variation 432633 (VCV000432633.20), dbSNP rs148703212, ClinGen allele CA1942658.

ClinVar aggregate classification (germline): Uncertain significance. Review status: criteria provided, multiple submitters, no conflicts (2 of 4 stars). 5 submissions from 5 submitters: Uncertain significance (5). Last evaluated 2024-06-22.

Conditions:
Early-infantile DEE. Also called: Ohtahara syndrome; Early infantile epileptic encephalopathy; Early infantile epileptic encephalopathy with suppression bursts. Identifiers: Orphanet 1934, MedGen C0393706, MONDO:0800491.
SCN1A-related disorder. Also called: SCN1A-related conditions; SCN1A-related condition; SCN1A-related disorders.
Mitochondrial disease. Also called: Mitochondrial disorder; Mitochondrial disorders. Identifiers: Orphanet 68380, MedGen C0751651, MeSH D028361, MONDO:0044970.

Allele frequency attached by ClinVar (database versions not stated): TOPMed 0.00001; ESP Exome Variant Server 0.00008.
gnomAD v4.1: 94 of 1,613,848 alleles (0.0058%); highest among the groups gnomAD compares: Non-Finnish European, 0.008%; no homozygotes.

Submissions (5):

Labcorp Genetics (formerly Invitae), Labcorp
Classification: Uncertain significance for Early-infantile DEE. Last evaluated: 2024-06-22. Review status: criteria provided, single submitter. Criteria: Invitae Variant Classification Sherloc (09022015). Collection method: clinical testing. Allele origin: germline.
Comment: This sequence change replaces glutamic acid, which is acidic and polar, with glutamine, which is neutral and polar, at codon 1878 of the SCN1A protein (p.Glu1878Gln). This variant is present in population databases (rs148703212, gnomAD 0.003%). This variant has not been reported in the literature in individuals affected with SCN1A-related conditions. ClinVar contains an entry for this variant (Variation ID: 432633). Advanced modeling of protein sequence and biophysical properties (such as structural, functional, and spatial information, amino acid conservation, physicochemical variation, residue mobility, and thermodynamic stability) performed at Invitae indicates that this missense variant is expected to disrupt SCN1A protein function with a positive predictive value of 95%. In summary, the available evidence is currently insufficient to determine the role of this variant in disease. Therefore, it has been classified as a Variant of Uncertain Significance.

PreventionGenetics, part of Exact Sciences
Classification: Uncertain significance for SCN1A-related condition. Last evaluated: 2023-06-27. Review status: criteria provided, single submitter. Criteria: ACMG Guidelines, 2015. Collection method: clinical testing. Allele origin: germline.
Comment: The SCN1A c.5632G>C variant is predicted to result in the amino acid substitution p.Glu1878Gln. To our knowledge, this variant has not been reported in the literature. This variant is reported in 0.0035% of alleles in individuals of European (Non-Finnish) descent in gnomAD. At this time, the clinical significance of this variant is uncertain due to the absence of conclusive functional and genetic evidence.

GeneDx
Classification: Uncertain significance. Last evaluated: 2022-02-02. Review status: criteria provided, single submitter. Criteria: GeneDx Variant Classification Process June 2021. Collection method: clinical testing. Allele origin: germline. Affected: yes.
Comment: Not observed at a significant frequency in large population cohorts (gnomAD); Missense variants in this gene are often considered pathogenic (HGMD); In silico analysis supports that this missense variant has a deleterious effect on protein structure/function; Has not been previously published as pathogenic or benign to our knowledge; This substitution is predicted to be within the C-terminal cytoplasmic domain

Cambridge Genomics Laboratory, East Genomic Laboratory Hub, NHS Genomic Medicine Service
Classification: Uncertain significance for Mitochondrial disease. Last evaluated: 2019-01-29. Review status: criteria provided, single submitter. Criteria: ACGS Best Practice Guidelines for Variant Classification in Rare Disease 2020. Collection method: clinical testing. Allele origin: germline. Affected: yes. Observed: 1 variant allele.

Genetic Services Laboratory, University of Chicago
Classification: Uncertain significance. Last evaluated: 2015-08-10. Review status: criteria provided, single submitter. Criteria: ACMG Guidelines, 2015. Collection method: clinical testing. Allele origin: germline. Affected: no.